The following is an entry in ClinVar:

ClinVar aggregate classification (germline): Likely pathogenic (1 of 4 stars; one submission).

Conditions:
Ehlers-Danlos syndrome, classic type, 1 (EDSCL1). Also called: EHLERS-DANLOS SYNDROME, GRAVIS TYPE; EHLERS-DANLOS SYNDROME, SEVERE CLASSIC TYPE; EDS I; Ehlers-Danlos Syndrome, Classic Type, COL5A1-Related; Ehlers-Danlos syndrome, type 1. Identifiers: MedGen C0268335, MONDO:0019567, OMIM 130000.

Submission:

Baylor Genetics
Classification: Likely pathogenic for Ehlers-Danlos syndrome, classic type, 1. Last evaluated: 2019-10-31. Review status: criteria provided, single submitter. Criteria: ACMG Guidelines, 2015. Collection method: clinical testing. Allele origin: unknown. Affected: yes.
Comment: This variant was determined to be likely pathogenic according to ACMG Guidelines, 2015 [PMID:25741868].

Literature cited by the submitters: PubMed 29250776.

NM_000093.5(COL5A1):c.5136+68_5136+73delinsT

Genes: COL5A1 (collagen type V alpha 1 chain; plus strand), LOC101448202 (uncharacterized LOC101448202; minus strand). Cytogenetic location: 9q34.3.
Variant type: Indel.
Coding change: c.5136+68_5136+73delinsT on transcript NM_000093.5 (MANE Select); bases 68 to 73 of the intron after coding-DNA position 5136, AAATGG replaced by T.
Molecular consequence: intron variant. On other transcripts: frameshift variant (1).
Genome position (GRCh38, 1-based): chr9:134,830,112-134,830,117, AAATGG replaced by T. VCF-style: chr9-134830112-AAATGG-T. GRCh37 (hg19) VCF-style: chr9-137721958-AAATGG-T.
Other names: c.5072_5077delinsT, p.Lys1691fs (NM_001278074.1); short protein forms K1691fs.
Identifiers: ClinVar variation 1027876 (VCV001027876.1), dbSNP rs1839542247, ClinGen allele CA1883390280.
Genomic context (GRCh38, chr9:134,830,112, plus strand): 5'-GGCCTCTGGCGTCTTTGCGGTTGTCACTTTAAACCCGCCCATCTCGTATCTTACAGAGTA[AAATGG>T]CCCGCTGGCCCAAAGAGCAGCCTTCCACCTGGTATAGTCAGTACAAGCGGGGGTCCCTGG-3'